The following is an entry in ClinVar:

ClinVar aggregate classification (germline): Uncertain significance (1 of 4 stars; one submission).

Allele frequency attached by ClinVar (database versions not stated): TOPMed below 0.00001; gnomAD 0.00001.
gnomAD v4.1: 22 of 1,614,040 alleles (0.0014%); highest among the groups gnomAD compares: Non-Finnish European, 0.0019%; no homozygotes.

Submission:

Labcorp Genetics (formerly Invitae), Labcorp
Classification: Uncertain significance. Last evaluated: 2022-03-21. Review status: criteria provided, single submitter. Criteria: Invitae Variant Classification Sherloc (09022015). Collection method: clinical testing. Allele origin: germline.
Comment: This sequence change replaces valine, which is neutral and non-polar, with leucine, which is neutral and non-polar, at codon 186 of the COQ9 protein (p.Val186Leu). In summary, the available evidence is currently insufficient to determine the role of this variant in disease. Therefore, it has been classified as a Variant of Uncertain Significance. Algorithms developed to predict the effect of missense changes on protein structure and function (SIFT, PolyPhen-2, Align-GVGD) all suggest that this variant is likely to be tolerated. This variant has not been reported in the literature in individuals affected with COQ9-related conditions. This variant is not present in population databases (gnomAD no frequency).

NM_020312.4(COQ9):c.556G>C (p.Val186Leu)

Gene: COQ9 (coenzyme Q9; plus strand). Cytogenetic location: 16q21.
Variant type: single nucleotide variant.
Coding change: c.556G>C on transcript NM_020312.4 (MANE Select); coding-DNA position 556, G replaced by C.
Protein change: p.Val186Leu; replaces valine 186 with leucine.
Molecular consequence: missense variant.
Genome position (GRCh38, 1-based): chr16:57,456,965, G>C. VCF-style: chr16-57456965-G-C. GRCh37 (hg19) VCF-style: chr16-57490877-G-C.
Other names: short protein forms V186L.
Identifiers: ClinVar variation 2064126 (VCV002064126.2), dbSNP rs2030418810, ClinGen allele CA396028821.